The following is an entry in ClinVar:

ClinVar aggregate classification (germline): Uncertain significance (1 of 4 stars; one submission).

Submission:

Labcorp Genetics (formerly Invitae), Labcorp
Classification: Uncertain significance. Last evaluated: 2023-12-21. Review status: criteria provided, single submitter. Criteria: Invitae Variant Classification Sherloc (09022015). Collection method: clinical testing. Allele origin: germline.
Comment: This sequence change replaces isoleucine, which is neutral and non-polar, with valine, which is neutral and non-polar, at codon 5625 of the HMCN1 protein (p.Ile5625Val). This variant is not present in population databases (gnomAD no frequency). This variant has not been reported in the literature in individuals affected with HMCN1-related conditions. ClinVar contains an entry for this variant (Variation ID: 2132859). An algorithm developed to predict the effect of missense changes on protein structure and function (PolyPhen-2) suggests that this variant is likely to be disruptive. In summary, the available evidence is currently insufficient to determine the role of this variant in disease. Therefore, it has been classified as a Variant of Uncertain Significance.

NM_031935.3(HMCN1):c.16873A>G (p.Ile5625Val)

Gene: HMCN1 (hemicentin 1; plus strand). Cytogenetic location: 1q31.1.
Variant type: single nucleotide variant.
Coding change: c.16873A>G on transcript NM_031935.3 (MANE Select); coding-DNA position 16873, A replaced by G.
Protein change: p.Ile5625Val; replaces isoleucine 5625 with valine.
Molecular consequence: missense variant.
Genome position (GRCh38, 1-based): chr1:186,189,843, A>G. VCF-style: chr1-186189843-A-G. GRCh37 (hg19) VCF-style: chr1-186158975-A-G.
Other names: short protein forms I5625V.
Identifiers: ClinVar variation 2132859 (VCV002132859.4), dbSNP rs2528307027, ClinGen allele CA343907429.